The following is an entry in ClinVar:

NM_006506.5(RASA2):c.1352A>G (p.Asn451Ser)

Gene: RASA2 (RAS p21 protein activator 2; plus strand). Cytogenetic location: 3q23.
Variant type: single nucleotide variant.
Coding change: c.1352A>G on transcript NM_006506.5 (MANE Select); coding-DNA position 1352, A replaced by G.
Protein change: p.Asn451Ser; replaces asparagine 451 with serine.
Molecular consequence: missense variant.
Genome position (GRCh38, 1-based): chr3:141,573,214, A>G. VCF-style: chr3-141573214-A-G. GRCh37 (hg19) VCF-style: chr3-141292056-A-G.
Other names: c.1352A>G (NM_006506.2); c.1352A>G, p.Asn451Ser (NM_001303245.3, NM_001303246.3); short protein forms N451S.
Identifiers: ClinVar variation 2191860 (VCV002191860.6), dbSNP rs1577763968, ClinGen allele CA354778457.

ClinVar aggregate classification (germline): Uncertain significance. Review status: criteria provided, multiple submitters, no conflicts (2 of 4 stars). 3 submissions from 3 submitters: Uncertain significance (3). Last evaluated 2026-04-27.

gnomAD v4.1: 11 of 1,543,226 alleles (0.00071%); highest among the groups gnomAD compares: Non-Finnish European, 0.00095%; no homozygotes.

Submissions (3):

Ambry Genetics
Classification: Uncertain significance. Last evaluated: 2026-04-27. Review status: criteria provided, single submitter. Criteria: Ambry Variant Classification Scheme 2023. Collection method: clinical testing. Allele origin: germline.
Comment: The p.N451S variant (also known as c.1352A>G), located in coding exon 13 of the RASA2 gene, results from an A to G substitution at nucleotide position 1352. The asparagine at codon 451 is replaced by serine, an amino acid with highly similar properties. This amino acid position is conserved. In addition, this alteration is predicted to be tolerated by in silico analysis. Based on the available evidence, the clinical significance of this variant remains unclear.

Labcorp Genetics (formerly Invitae), Labcorp
Classification: Uncertain significance. Last evaluated: 2024-08-08. Review status: criteria provided, single submitter. Criteria: Invitae Variant Classification Sherloc (09022015). Collection method: clinical testing. Allele origin: germline.
Comment: This sequence change replaces asparagine, which is neutral and polar, with serine, which is neutral and polar, at codon 451 of the RASA2 protein (p.Asn451Ser). This variant is not present in population databases (gnomAD no frequency). This variant has not been reported in the literature in individuals affected with RASA2-related conditions. ClinVar contains an entry for this variant (Variation ID: 2191860). Advanced modeling of protein sequence and biophysical properties (such as structural, functional, and spatial information, amino acid conservation, physicochemical variation, residue mobility, and thermodynamic stability) performed at Invitae indicates that this missense variant is not expected to disrupt RASA2 protein function with a negative predictive value of 80%. In summary, the available evidence is currently insufficient to determine the role of this variant in disease. Therefore, it has been classified as a Variant of Uncertain Significance.

Blueprint Genetics
Classification: Uncertain significance. Last evaluated: 2021-07-23. Review status: criteria provided, single submitter. Criteria: ACMG Guidelines, 2015. Collection method: clinical testing. Allele origin: germline.